The following is an entry in ClinVar:

ClinVar aggregate classification (germline): Likely benign. Review status: criteria provided, multiple submitters, no conflicts (2 of 4 stars). 2 submissions from 2 submitters: Likely benign (2). Last evaluated 2026-07-07.

Conditions:
LCP2-related condition.

gnomAD v4.1: 437 of 1,613,986 alleles (0.027%); highest among the groups gnomAD compares: Non-Finnish European, 0.035%; no homozygotes.

Submissions (2):

PreventionGenetics, part of Exact Sciences
Classification: Likely benign for LCP2-related condition. Last evaluated: 2026-07-07. Review status: criteria provided, single submitter. Criteria: ACMG Guidelines, 2015. Collection method: clinical testing. Allele origin: germline.
Comment: This variant is classified as likely benign based on ACMG/AMP sequence variant interpretation guidelines (Richards et al. 2015 PMID: 25741868, with internal and published modifications).

CeGaT Center for Human Genetics Tuebingen
Classification: Likely benign. Last evaluated: 2026-04-01. Review status: criteria provided, single submitter. Criteria: CeGaT Center For Human Genetics Tuebingen Variant Classification Criteria Version 2. Collection method: clinical testing. Allele origin: germline. Affected: yes. Observed: 1 variant allele.
Comment: LCP2: BP4, BP7

NM_005565.5(LCP2):c.804G>T (p.Ser268=)

Gene: LCP2 (lymphocyte cytosolic protein 2; minus strand). Cytogenetic location: 5q35.1.
Variant type: single nucleotide variant.
Coding change: c.804G>T on transcript NM_005565.5 (MANE Select); coding-DNA position 804, G replaced by T.
Protein change: p.Ser268=; no amino-acid change (serine 268 retained).
Molecular consequence: synonymous variant.
Genome position (GRCh38, 1-based): chr5:170,262,856, C>A on the plus strand (G>T on the coding strand, the complement: LCP2 is on the minus strand). VCF-style: chr5-170262856-C-A. GRCh37 (hg19) VCF-style: chr5-169689860-C-A.
Other names: c.804G>T (NM_005565.4).
Identifiers: ClinVar variation 4872478 (VCV004872478.3).